The following is an entry in ClinVar:

NM_000334.4(SCN4A):c.449T>C (p.Met150Thr)

Gene: SCN4A (sodium voltage-gated channel alpha subunit 4; minus strand). Cytogenetic location: 17q23.3.
Variant type: single nucleotide variant.
Coding change: c.449T>C on transcript NM_000334.4 (MANE Select); coding-DNA position 449, T replaced by C.
Protein change: p.Met150Thr; replaces methionine 150 with threonine.
Molecular consequence: missense variant.
Genome position (GRCh38, 1-based): chr17:63,972,169, A>G on the plus strand (T>C on the coding strand, the complement: SCN4A is on the minus strand). VCF-style: chr17-63972169-A-G. GRCh37 (hg19) VCF-style: chr17-62049529-A-G.
Other names: short protein forms M150T.
Identifiers: ClinVar variation 2740780 (VCV002740780.3), dbSNP rs1009083383, ClinGen allele CA292972777.

ClinVar aggregate classification (germline): Uncertain significance (1 of 4 stars; one submission).

Conditions:
Hyperkalemic periodic paralysis. Also called: Familial hyperkalemic periodic paralysis; Gamstorp disease. Identifiers: Orphanet 682, MedGen C0238357, MONDO:0008224, OMIM 170500, HP:0007215.

Allele frequency attached by ClinVar (database versions not stated): gnomAD exomes below 0.00001; gnomAD 0.00001; TOPMed 0.00002.

Submission:

Labcorp Genetics (formerly Invitae), Labcorp
Classification: Uncertain significance for Hyperkalemic periodic paralysis. Last evaluated: 2023-03-08. Review status: criteria provided, single submitter. Criteria: Invitae Variant Classification Sherloc (09022015). Collection method: clinical testing. Allele origin: germline.
Comment: In summary, the available evidence is currently insufficient to determine the role of this variant in disease. Therefore, it has been classified as a Variant of Uncertain Significance. Advanced modeling of protein sequence and biophysical properties (such as structural, functional, and spatial information, amino acid conservation, physicochemical variation, residue mobility, and thermodynamic stability) has been performed at Invitae for this missense variant, however the output from this modeling did not meet the statistical confidence thresholds required to predict the impact of this variant on SCN4A protein function. This sequence change replaces methionine, which is neutral and non-polar, with threonine, which is neutral and polar, at codon 150 of the SCN4A protein (p.Met150Thr). This variant is present in population databases (no rsID available, gnomAD 0.0009%). This variant has not been reported in the literature in individuals affected with SCN4A-related conditions.